The following is an entry in ClinVar:

NM_001267550.2(TTN):c.86799_86802del (p.Glu28935_Gly28936insTer)

Genes: TTN (titin; minus strand), TTN-AS1 (TTN antisense RNA 1; plus strand). Cytogenetic location: 2q31.2.
Variant type: Deletion.
Coding change: c.86799_86802del on transcript NM_001267550.2 (MANE Select); coding-DNA positions 86799 to 86802, 4 bases deleted (AAAG; older notation c.86799_86802delAAAG).
Protein change: p.Glu28935_Gly28936insTer.
Molecular consequence: frameshift variant.
Genome position (GRCh38, 1-based): chr2:178,559,330-178,559,333, CTTT deleted on the plus strand (AAAG on the coding strand, the reverse complement: TTN is on the minus strand). VCF-style (leftmost placement, unchanged base first): chr2-178559329-CCTTT-C. GRCh37 (hg19) VCF-style: chr2-179424056-CCTTT-C.
Other names: p.(Gly28936Ter); c.86799_86802delAAAG (NM_001267550.2); c.86799_86802del (NM_001267550.1); c.81876_81879del, p.Glu27294_Gly27295insTer (NM_001256850.1); c.59604_59607del, p.Glu19870_Gly19871insTer (NM_003319.4); c.59979_59982del, p.Glu19995_Gly19996insTer (NM_133432.3); c.60180_60183del, p.Glu20062_Gly20063insTer (NM_133437.4); c.59604_59607delAAAG (NM_003319.4); and 1 more.
Identifiers: ClinVar variation 179417 (VCV000179417.35), dbSNP rs727504856, ClinGen allele CA273624.

ClinVar aggregate classification (germline): Pathogenic/Likely pathogenic. Review status: criteria provided, multiple submitters, no conflicts (2 of 4 stars). 10 submissions from 9 submitters: Pathogenic (6); Likely pathogenic (3). 1 of the submissions does not count toward it. Last evaluated 2025-12-24.

Conditions:
TTN-related disorder. Also called: TTN-related disorders; TTN-related condition; TTN-related disease.
Cardiovascular phenotype. Identifiers: MedGen CN230736.
Dilated cardiomyopathy 1G (CMD1G). Identifiers: Orphanet 154, MedGen C1858763, MONDO:0011400, OMIM 604145.
Autosomal recessive limb-girdle muscular dystrophy type 2J (LGMDR10). Also called: MUSCULAR DYSTROPHY, LIMB-GIRDLE, AUTOSOMAL RECESSIVE 10; Limb-girdle muscular dystrophy, type 2J. Identifiers: Orphanet 140922, MedGen C1837342, MONDO:0012127, OMIM 608807.
Primary familial dilated cardiomyopathy (FDC). Also called: Familial dilated cardiomyopathy; Hypokinetic dilated cardiomyopathy, familial. Identifiers: Orphanet 217607, MedGen C0340427, MONDO:0016333.
Primary dilated cardiomyopathy (DCM). Also called: Dilated Cardiomyopathy. Identifiers: Orphanet 217604, MedGen C0007193, MeSH D002311, MONDO:0005021, HP:0001644. Inheritance: Various modes of inheritance.

Allele frequency attached by ClinVar (database versions not stated): gnomAD exomes below 0.00001.

Submissions (10):

Labcorp Genetics (formerly Invitae), Labcorp
Classification: Pathogenic for Dilated cardiomyopathy 1G; Autosomal recessive limb-girdle muscular dystrophy type 2J. Last evaluated: 2025-12-24. Review status: criteria provided, single submitter. Criteria: Invitae Variant Classification Sherloc (09022015). Collection method: clinical testing. Allele origin: germline.
Comment: This sequence change creates a premature translational stop signal (p.Gly28936*) in the TTN gene. While this is not anticipated to result in nonsense mediated decay, it is expected to create a truncated TTN protein. This variant is not present in population databases (gnomAD no frequency). This premature translational stop signal has been observed in individuals with dilated cardiomyopathy (PMID: 31514951; internal data). ClinVar contains an entry for this variant (Variation ID: 179417). This variant is located in the A band of TTN (PMID: 25589632). Truncating variants in this region are significantly overrepresented in patients affected with dilated cardiomyopathy (PMID: 25589632). Truncating variants in this region have also been reported in individuals affected with autosomal recessive centronuclear myopathy (PMID: 23975875). For these reasons, this variant has been classified as Pathogenic.

Ambry Genetics
Classification: Pathogenic for Cardiovascular phenotype. Last evaluated: 2025-08-29. Review status: criteria provided, single submitter. Criteria: Ambry Variant Classification Scheme 2023. Collection method: clinical testing. Allele origin: germline.
Comment: The c.59604_59607delAAAG pathogenic mutation, located in coding exon 153 of the TTN gene, results from a deletion of 4 nucleotides at nucleotide positions 59604 to 59607, causing a translational frameshift with a predicted alternate stop codon (p.G19871*). This exon is located in the A-band region of the N2-B isoform of the titin protein and is constitutively expressed in TTN transcripts (percent spliced in or PSI 100%). This variant was reported in individual(s) with features consistent with dilated cardiomyopathy (Gigli M et al. J. Am. Coll. Cardiol., 2019 09;74:1480-1490; Ambry internal data). Note, this variant is also referred to as c.86799_86802delAAAG, p.Thr28933fs2aaX in the literature. This variant is considered to be rare based on population cohorts in the Genome Aggregation Database (gnomAD). This variant is expected to result in loss of function by premature protein truncation or nonsense-mediated mRNA decay. While truncating variants in TTN are present in 1-3% of the general population, truncating variants in the A-band are the most common cause of dilated cardiomyopathy (Herman DS et al. N. Engl. J. Med., 2012 Feb;366:619-28; Roberts AM et al. Sci Transl Med, 2015 Jan;7:270ra6). TTN truncating variants encoded in constitutive exons (PSI >90%) have been found to be significantly associated with DCM regardless of their position in titin (Schafer S et al. Nat. Genet., 2017 01;49:46-53; Akhtar MM et al. Circ Heart Fail, 2020 Oct;13:e006832; Massier M et al. Clin Genet, 2025 Jan). Based on the supporting evidence, this variant is interpreted as a disease-causing mutation.

GeneDx
Classification: Likely pathogenic. Last evaluated: 2025-03-10. Review status: criteria provided, single submitter. Criteria: GeneDx Variant Classification Process June 2021. Collection method: clinical testing. Allele origin: germline. Affected: yes.
Comment: Identified in at least one patient with DCM in published literature (PMID: 31514951, 36396199); Not observed at significant frequency in large population cohorts (gnomAD); Nonsense variant predicted to result in protein truncation or nonsense mediated decay in a gene for which loss of function is a known mechanism of disease; Also known as p.(Thr28933fs2aaX); This variant is associated with the following publications: (PMID: 31514951, 22335739, 32778822, 36396199)

Clinical Genetics Laboratory, Skane University Hospital Lund
Classification: Pathogenic. Last evaluated: 2024-01-17. Review status: criteria provided, single submitter. Criteria: ACMG Guidelines, 2015. Collection method: clinical testing. Allele origin: germline. Affected: yes.

Molecular Diagnostic Laboratory for Inherited Cardiovascular Disease, Montreal Heart Institute
Classification: Pathogenic for Cardiovascular phenotype. Last evaluated: 2023-01-17. Review status: criteria provided, single submitter. Criteria: ACMG Guidelines, 2015. Collection method: clinical testing. Allele origin: germline. Affected: yes.

Eurofins Ntd Llc (ga)
Classification: Likely pathogenic. Last evaluated: 2016-12-20. Review status: criteria provided, single submitter. Criteria: EGL Classification Definitions 2015. Collection method: clinical testing. Allele origin: germline. Observed: 1 variant allele, 1 heterozygote.

Genetic Services Laboratory, University of Chicago
Classification: Pathogenic. Last evaluated: 2016-07-05. Review status: criteria provided, single submitter. Criteria: ACMG Guidelines, 2015. Collection method: clinical testing. Allele origin: germline. Affected: yes.

Laboratory for Molecular Medicine, Mass General Brigham Personalized Medicine
Classification: Likely pathogenic for Primary dilated cardiomyopathy. Last evaluated: 2014-07-21. Review status: criteria provided, single submitter. Criteria: LMM Criteria. Collection method: clinical testing. Allele origin: germline. Inheritance: Autosomal dominant inheritance. Observed: 3 variant alleles.
Comment: It was absent from large population studies. This variant is predi cted to cause a frameshift which leads to a premature termination codon at posit ion 26368. This alteration is then predicted to lead to a truncated or absent pr otein. Frameshift and other truncating variants in TTN are strongly associated w ith DCM and the majority occur in the A-band (Herman 2012, Pugh 2014), where thi s variant is located. In summary, although additional studies are required to fu lly establish its clinical significance, the Gly26368X variant is likely pathoge nic.

Molecular Diagnostic Laboratory for Inherited Cardiovascular Disease, Montreal Heart Institute
Classification: Pathogenic for Familial dilated cardiomyopathy. Review status: criteria provided, single submitter. Criteria: ACMG Guidelines, 2015. Collection method: clinical testing. Allele origin: germline. Affected: yes.

PreventionGenetics, part of Exact Sciences
Classification: Pathogenic for TTN-related condition. Last evaluated: 2023-11-14. Review status: no assertion criteria provided. Collection method: clinical testing. Allele origin: germline. Not counted in ClinVar's aggregate classification.
Comment: The TTN c.86799_86802delAAAG variant is predicted to result in premature protein termination (p.Gly28936*). This variant was reported in a dilated cardiomyopathy cohort (online Table 1, Gigli et al. 2019. PubMed ID: 31514951). This variant has not been reported in a large population database, indicating this variant is rare. This variant is located in the A-band region of the protein in which truncating TTN variants have been found more frequently in dilated cardiomyopathy patients than in controls (Herman et al. 2012. PubMed ID: 22335739). RNAseq studies from heart tissue indicate this exon is commonly included in TTN mRNA transcripts (PSI of 95%-100%); however, this analysis in muscle tissue was not performed (Roberts et al. 2015. PMID: 25589632). TTN truncating variants are reported in 1-2% of presumably healthy individuals and occur more frequently in exons with low PSI values, indicating this variant is more likely to be disease causing (Herman et al. 2012. PMID: 22335739; Roberts et al. 2015. PMID: 25589632). In summary, this variant is categorized as pathogenic for TTN-related disorders.

Literature cited by the submitters: PubMed 31514951 (cited by Labcorp Genetics (formerly Invitae), Labcorp and Ambry Genetics); PubMed 25589632 (cited by Labcorp Genetics (formerly Invitae), Labcorp); PubMed 23975875 (cited by Labcorp Genetics (formerly Invitae), Labcorp).